The following is an entry in ClinVar:

NM_001352027.3(PHF21A):c.1613T>C (p.Leu538Pro)

Gene: PHF21A (PHD finger protein 21A; minus strand). Cytogenetic location: 11p11.2.
Variant type: single nucleotide variant.
Coding change: c.1613T>C on transcript NM_001352027.3 (MANE Select); coding-DNA position 1613, T replaced by C.
Protein change: p.Leu538Pro; replaces leucine 538 with proline.
Molecular consequence: missense variant. On other transcripts: non-coding transcript variant (2).
Genome position (GRCh38, 1-based): chr11:45,936,565, A>G on the plus strand (T>C on the coding strand, the complement: PHF21A is on the minus strand). VCF-style: chr11-45936565-A-G. GRCh37 (hg19) VCF-style: chr11-45958116-A-G.
Other names: c.1610T>C, p.Leu537Pro (NM_001101802.3); c.1613T>C, p.Leu538Pro (NM_001352025.3, NM_001352026.3); c.1472T>C, p.Leu491Pro (NM_001352028.1, NM_001352029.1, NM_016621.5); c.1469T>C, p.Leu490Pro (NM_001352030.3, NM_001352031.3, NM_001352032.3); short protein forms L491P, L490P, L537P, L538P.
Identifiers: ClinVar variation 2862314 (VCV002862314.3), dbSNP rs2495696461, ClinGen allele CA380256101.

ClinVar aggregate classification (germline): Uncertain significance (1 of 4 stars; one submission).

Allele frequency attached by ClinVar (database versions not stated): gnomAD exomes below 0.00001.
gnomAD v4.1: 1 of 1,610,272 alleles (0.000062%); highest among the groups gnomAD compares: Non-Finnish European, 0.000085%; no homozygotes.

Submission:

Labcorp Genetics (formerly Invitae), Labcorp
Classification: Uncertain significance. Last evaluated: 2023-05-05. Review status: criteria provided, single submitter. Criteria: Invitae Variant Classification Sherloc (09022015). Collection method: clinical testing. Allele origin: germline.
Comment: This sequence change replaces leucine, which is neutral and non-polar, with proline, which is neutral and non-polar, at codon 537 of the PHF21A protein (p.Leu537Pro). This variant is not present in population databases (gnomAD no frequency). This variant has not been reported in the literature in individuals affected with PHF21A-related conditions. Advanced modeling of protein sequence and biophysical properties (such as structural, functional, and spatial information, amino acid conservation, physicochemical variation, residue mobility, and thermodynamic stability) performed at Invitae indicates that this missense variant is not expected to disrupt PHF21A protein function. In summary, the available evidence is currently insufficient to determine the role of this variant in disease. Therefore, it has been classified as a Variant of Uncertain Significance.